The following is an entry in ClinVar:

ClinVar aggregate classification (germline): Uncertain significance. Review status: criteria provided, multiple submitters, no conflicts (2 of 4 stars). 2 submissions from 2 submitters: Uncertain significance (2). Last evaluated 2024-10-30.

Conditions:
Duchenne muscular dystrophy (DMD). Also called: Duchenne Muscular Dystrophy (DMD); MUSCULAR DYSTROPHY, PSEUDOHYPERTROPHIC PROGRESSIVE, DUCHENNE TYPE. Identifiers: Orphanet 98896, MedGen C0013264, MONDO:0010679, OMIM 310200.

Submissions (2):

Labcorp Genetics (formerly Invitae), Labcorp
Classification: Uncertain significance for Duchenne muscular dystrophy. Last evaluated: 2024-10-30. Review status: criteria provided, single submitter. Criteria: Invitae Variant Classification Sherloc (09022015). Collection method: clinical testing. Allele origin: germline.
Comment: This sequence change replaces methionine, which is neutral and non-polar, with lysine, which is basic and polar, at codon 3627 of the DMD protein (p.Met3627Lys). This variant is not present in population databases (gnomAD no frequency). This variant has not been reported in the literature in individuals affected with DMD-related conditions. ClinVar contains an entry for this variant (Variation ID: 2428530). Invitae Evidence Modeling of protein sequence and biophysical properties (such as structural, functional, and spatial information, amino acid conservation, physicochemical variation, residue mobility, and thermodynamic stability) indicates that this missense variant is not expected to disrupt DMD protein function with a negative predictive value of 95%. In summary, the available evidence is currently insufficient to determine the role of this variant in disease. Therefore, it has been classified as a Variant of Uncertain Significance.

ARUP Laboratories, Molecular Genetics and Genomics, ARUP Laboratories
Classification: Uncertain significance. Last evaluated: 2022-05-04. Review status: criteria provided, single submitter. Criteria: ARUP Molecular Germline Variant Investigation Process 2021. Collection method: clinical testing. Allele origin: germline.
Comment: The DMD c.10880T>A; p.Met3627Lys variant, to our knowledge, is not reported in the medical literature or gene specific databases. This variant is also absent from the Genome Aggregation Database, indicating it is not a common polymorphism. The methionine at codon 3627 is highly conserved, but computational analyses are uncertain whether this variant is neutral or deleterious (REVEL: 0.155). Due to limited information, the clinical significance of the p.Met3627Lys variant is uncertain at this time.

NM_004006.3(DMD):c.10880T>A (p.Met3627Lys)

Gene: DMD (dystrophin; minus strand). Cytogenetic location: Xp21.2.
Variant type: single nucleotide variant.
Coding change: c.10880T>A on transcript NM_004006.3 (MANE Select); coding-DNA position 10880, T replaced by A.
Protein change: p.Met3627Lys; replaces methionine 3627 with lysine.
Molecular consequence: missense variant.
Genome position (GRCh38, 1-based): chrX:31,146,332, A>T on the plus strand (T>A on the coding strand, the complement: DMD is on the minus strand). VCF-style: chrX-31146332-A-T. GRCh37 (hg19) VCF-style: chrX-31164449-A-T.
Other names: c.10856T>A, p.Met3619Lys (NM_000109.4); c.10868T>A, p.Met3623Lys (NM_004009.3); c.10511T>A, p.Met3504Lys (NM_004010.3); c.6857T>A, p.Met2286Lys (NM_004011.4); c.6848T>A, p.Met2283Lys (NM_004012.4); c.3500T>A, p.Met1167Lys (NM_004013.3, NM_004021.3); c.2693T>A, p.Met898Lys (NM_004014.3); c.1676T>A, p.Met559Lys (NM_004015.3, NM_004016.3); and 3 more; short protein forms M1057K, M1154K, M1167K, M2283K, M2286K, M3504K, M3619K, M3623K.
Identifiers: ClinVar variation 2428530 (VCV002428530.5), dbSNP rs2519417851, ClinGen allele CA412648660.